The following is an entry in ClinVar:

NM_000059.4(BRCA2):c.2498T>C (p.Leu833Pro)

Gene: BRCA2 (BRCA2 DNA repair associated; plus strand). Cytogenetic location: 13q13.1.
Variant type: single nucleotide variant.
Coding change: c.2498T>C on transcript NM_000059.4 (MANE Select); coding-DNA position 2498, T replaced by C.
Protein change: p.Leu833Pro; replaces leucine 833 with proline.
Molecular consequence: missense variant.
Genome position (GRCh38, 1-based): chr13:32,336,853, T>C. VCF-style: chr13-32336853-T-C. GRCh37 (hg19) VCF-style: chr13-32910990-T-C.
Other names: short protein forms L833P.
Identifiers: ClinVar variation 572121 (VCV000572121.10), dbSNP rs1566226846, ClinGen allele CA387772420.
Genomic context (GRCh38, chr13:32,336,853, plus strand): 5'-TTCCCATGGAAAAGAATCAAGATGTATGTGCTTTAAATGAAAATTATAAAAACGTTGAGC[T>C]GTTGCCACCTGAAAAATACATGAGAGTAGCATCACCTTCAAGAAAGGTACAATTCAACCA-3'
Protein context (NP_000050.3, residues 823-843): ALNENYKNVE[Leu833Pro]LPPEKYMRVA

ClinVar aggregate classification (germline): Conflicting classifications of pathogenicity. Review status: criteria provided, conflicting classifications (1 of 4 stars). 2 submissions from 2 submitters: Uncertain significance (1); Likely benign (1). Last evaluated 2023-03-23.

Conditions:
Hereditary breast ovarian cancer syndrome. Also called: Hereditary breast and ovarian cancer syndrome; Breast and ovarian cancer; Hereditary breast and ovarian cancer; Hereditary breast and/or ovarian cancer syndrome; Hereditary breast and ovarian cancer syndrome (HBOC); BRCA1- and BRCA2-Associated Hereditary Breast and Ovarian Cancer. Identifiers: Orphanet 145, MedGen C0677776, MeSH D061325, MONDO:0003582. Disease mechanism: loss of function.
Hereditary cancer-predisposing syndrome. Also called: Hereditary neoplastic syndrome; Tumor predisposition; Neoplastic Syndromes, Hereditary; Hereditary Cancer Syndrome. Identifiers: Orphanet 140162, MedGen C0027672, MeSH D009386, MONDO:0015356.

Submissions (2):

University of Washington Department of Laboratory Medicine, University of Washington
Classification: Likely benign for Hereditary cancer-predisposing syndrome. Last evaluated: 2023-03-23. Review status: criteria provided, single submitter. Criteria: Dines et al. (Genet Med. 2020). Collection method: curation. Allele origin: germline.
Comment: Missense variant in a coldspot region where missense variants are very unlikely to be pathogenic (PMID:31911673).

BRCA2 exon 11 coldspot. Reclassification based on statistical prior probability.

Labcorp Genetics (formerly Invitae), Labcorp
Classification: Uncertain significance for Hereditary breast ovarian cancer syndrome. Last evaluated: 2020-07-10. Review status: criteria provided, single submitter. Criteria: Invitae Variant Classification Sherloc (09022015). Collection method: clinical testing. Allele origin: germline.
Comment: This variant is not present in population databases (ExAC no frequency). In summary, the available evidence is currently insufficient to determine the role of this variant in disease. Therefore, it has been classified as a Variant of Uncertain Significance. Algorithms developed to predict the effect of missense changes on protein structure and function (SIFT, PolyPhen-2, Align-GVGD) all suggest that this variant is likely to be tolerated, but these predictions have not been confirmed by published functional studies and their clinical significance is uncertain. This variant has not been reported in the literature in individuals with BRCA2-related disease. This sequence change replaces leucine with proline at codon 833 of the BRCA2 protein (p.Leu833Pro). The leucine residue is weakly conserved and there is a moderate physicochemical difference between leucine and proline.